The following is an entry in ClinVar:

ClinVar aggregate classification (germline): Uncertain significance (1 of 4 stars; one submission).

Allele frequency attached by ClinVar (database versions not stated): gnomAD exomes below 0.00001.
gnomAD v4.1: 1 of 1,605,858 alleles (0.000062%); highest among the groups gnomAD compares: African/African-American, 0.0013%; no homozygotes.

Submission:

Labcorp Genetics (formerly Invitae), Labcorp
Classification: Uncertain significance. Last evaluated: 2023-08-09. Review status: criteria provided, single submitter. Criteria: Invitae Variant Classification Sherloc (09022015). Collection method: clinical testing. Allele origin: germline.
Comment: This variant is not present in population databases (gnomAD no frequency). This sequence change replaces proline, which is neutral and non-polar, with alanine, which is neutral and non-polar, at codon 726 of the COL11A1 protein (p.Pro726Ala). This variant has not been reported in the literature in individuals affected with COL11A1-related conditions. In summary, the available evidence is currently insufficient to determine the role of this variant in disease. Therefore, it has been classified as a Variant of Uncertain Significance. Advanced modeling of protein sequence and biophysical properties (such as structural, functional, and spatial information, amino acid conservation, physicochemical variation, residue mobility, and thermodynamic stability) performed at Invitae indicates that this missense variant is not expected to disrupt COL11A1 protein function. ClinVar contains an entry for this variant (Variation ID: 1969428).

NM_001854.4(COL11A1):c.2176C>G (p.Pro726Ala)

Gene: COL11A1 (collagen type XI alpha 1 chain; minus strand). Cytogenetic location: 1p21.1.
Variant type: single nucleotide variant.
Coding change: c.2176C>G on transcript NM_001854.4 (MANE Select); coding-DNA position 2176, C replaced by G.
Protein change: p.Pro726Ala; replaces proline 726 with alanine.
Molecular consequence: missense variant. On other transcripts: non-coding transcript variant (1).
Genome position (GRCh38, 1-based): chr1:102,998,330, G>C on the plus strand (C>G on the coding strand, the complement: COL11A1 is on the minus strand). VCF-style: chr1-102998330-G-C. GRCh37 (hg19) VCF-style: chr1-103463886-G-C.
Other names: c.2212C>G, p.Pro738Ala (NM_080629.3); c.1828C>G, p.Pro610Ala (NM_080630.4, NM_001168249.1); c.2059C>G, p.Pro687Ala (NM_001190709.2); short protein forms P610A, P687A, P726A, P738A.
Identifiers: ClinVar variation 1969428 (VCV001969428.5), dbSNP rs2525315139, ClinGen allele CA341170206.